The following is an entry in ClinVar:

ClinVar aggregate classification (germline): Conflicting classifications of pathogenicity. Review status: criteria provided, conflicting classifications (1 of 4 stars). 2 submissions from 2 submitters: Likely pathogenic (1); Uncertain significance (1). Last evaluated 2025-04-13.

Conditions:
Anemia, nonspherocytic hemolytic, due to G6PD deficiency (CNSHA1). Also called: ANEMIA, CONGENITAL, NONSPHEROCYTIC HEMOLYTIC, 1; Hemolytic anemia due to G6PD deficiency; Class I glucose-6-phosphate dehydrogenase deficiency; Favism, susceptibility to. Identifiers: Orphanet 466026, MedGen C2720289, MONDO:0010480, OMIM 300908.

Allele frequency attached by ClinVar (database versions not stated): gnomAD 0.00001; gnomAD exomes 0.00001.

Submissions (2):

Labcorp Genetics (formerly Invitae), Labcorp
Classification: Uncertain significance for Anemia, nonspherocytic hemolytic, due to G6PD deficiency. Last evaluated: 2025-04-13. Review status: criteria provided, single submitter. Criteria: Invitae Variant Classification Sherloc (09022015). Collection method: clinical testing. Allele origin: germline.
Comment: This sequence change replaces arginine, which is basic and polar, with glutamine, which is neutral and polar, at codon 57 of the G6PD protein (p.Arg57Gln). This variant is not present in population databases (gnomAD no frequency). This variant has not been reported in the literature in individuals affected with G6PD-related conditions. ClinVar contains an entry for this variant (Variation ID: 1722705). Invitae Evidence Modeling of protein sequence and biophysical properties (such as structural, functional, and spatial information, amino acid conservation, physicochemical variation, residue mobility, and thermodynamic stability) indicates that this missense variant is expected to disrupt G6PD protein function with a positive predictive value of 95%. In summary, the available evidence is currently insufficient to determine the role of this variant in disease. Therefore, it has been classified as a Variant of Uncertain Significance.

Dunham Lab, University of Washington
Classification: Likely pathogenic for Anemia, nonspherocytic hemolytic, due to G6PD deficiency. Last evaluated: 2022-08-12. Review status: criteria provided, single submitter. Criteria: Bayesian ACMG Guidelines, 2018. Collection method: curation. Allele origin: unknown. Affected: yes.
Comment: Decreased activity in red blood cells of hemizygote (PS3). Below expected carrier frequency in gnomAD (PM2). Post_P 0.949 (odds of pathogenicity 168.4, Prior_P 0.1).

Literature cited by the submitters: PubMed 22293322 (cited by Dunham Lab, University of Washington).

NM_001360016.2(G6PD):c.170G>A (p.Arg57Gln)

Gene: G6PD (glucose-6-phosphate dehydrogenase; minus strand). Cytogenetic location: Xq28.
Variant type: single nucleotide variant.
Coding change: c.170G>A on transcript NM_001360016.2 (MANE Select); coding-DNA position 170, G replaced by A.
Protein change: p.Arg57Gln; replaces arginine 57 with glutamine.
Molecular consequence: missense variant.
Genome position (GRCh38, 1-based): chrX:154,536,034, C>T on the plus strand (G>A on the coding strand, the complement: G6PD is on the minus strand). VCF-style: chrX-154536034-C-T. GRCh37 (hg19) VCF-style: chrX-153764249-C-T.
Other names: G6PD Palestrina; c.260G>A, p.Arg87Gln (NM_000402.4); c.170G>A, p.Arg57Gln (NM_001042351.3); short protein forms R57Q, R87Q.
Identifiers: ClinVar variation 1722705 (VCV001722705.3), dbSNP rs1000937138, ClinGen allele CA337318662.
Genomic context (GRCh38, chrX:154,536,034, plus strand): 5'-ACTGTGAGGCGGGAACGGGCATAGCCCACGATGAAGGTGTTTTCGGGCAGAAGGCCATCC[C>T]GGAACAGCCACCTGAGGGCAGGGCACAGCTGTAACCAGTGCGGGCAGGGCAGGACCAGGC-3'
Protein context (NP_001346945.1, residues 47-67): KIYPTIWWLF[Arg57Gln]DGLLPENTFI